The following is an entry in ClinVar:

ClinVar aggregate classification (germline): Pathogenic. Review status: criteria provided, multiple submitters, no conflicts (2 of 4 stars). 2 submissions from 2 submitters: Pathogenic (2). Last evaluated 2017-07-04.

Conditions:
Long QT syndrome 2 (LQT2). Identifiers: Orphanet 101016, Orphanet 768, MedGen C3150943, MONDO:0013367, OMIM 613688.

Submissions (2):

MVZ Martinsried, Medicover Genetics
Classification: Pathogenic for Long QT syndrome 2. Last evaluated: 2017-07-04. Review status: criteria provided, single submitter. Criteria: ACMG Guidelines, 2015. Collection method: clinical testing. Allele origin: unknown. Affected: yes.

GeneDx
Classification: Pathogenic. Last evaluated: 2012-05-24. Review status: criteria provided, single submitter. Criteria: GeneDx Variant Classification (06012015). Collection method: clinical testing. Allele origin: germline. Affected: yes.
Comment: Although the c.2456delA mutation in the KCNH2 gene has not been reported previously, this variant causes a shift in reading frame starting at codon Asparagine 819, changing it to a Threonine, and creating a premature stop codon at position 49 of the new reading frame. This variant is expected to result either in an abnormal, truncated protein product or loss of protein from this allele through nonsense-mediated mRNA decay. Other frameshift variants in the KCNH2 gene have been reported in association with LQTS. Therefore, c.2456delA in the KCNH2 gene is interpreted to be a pathogenic variant.

NM_000238.4(KCNH2):c.2456del (p.Asn819fs)

Gene: KCNH2 (potassium voltage-gated channel subfamily H member 2; minus strand). Cytogenetic location: 7q36.1.
Variant type: Deletion.
Coding change: c.2456del on transcript NM_000238.4 (MANE Select); coding-DNA position 2456, one base deleted (A; older notation c.2456delA).
Protein change: p.Asn819fs; shifts the reading frame from asparagine 819.
Molecular consequence: frameshift variant.
Genome position (GRCh38, 1-based): chr7:150,948,992, T deleted on the plus strand (A on the coding strand, the reverse complement: KCNH2 is on the minus strand); the first of 2 consecutive T bases (chr7:150,948,992-150,948,993); deleting either gives the same sequence. VCF-style (leftmost placement, unchanged base first): chr7-150948991-GT-G. GRCh37 (hg19) VCF-style: chr7-150646079-GT-G.
Other names: c.2456delA (NM_000238.3); c.1436del, p.Asn479fs (NM_172057.3); short protein forms N819fs, N479fs.
Identifiers: ClinVar variation 200654 (VCV000200654.2), dbSNP rs794728446, ClinGen allele CA006779.